The following is an entry in ClinVar:

ClinVar aggregate classification (germline): Uncertain significance (1 of 4 stars; one submission).

Conditions:
Perlman syndrome (PRLMNS). Identifiers: Orphanet 2849, MedGen C0796113, MONDO:0009965, OMIM 267000.

Allele frequency attached by ClinVar (database versions not stated): gnomAD exomes below 0.00001; gnomAD 0.00001.
gnomAD v4.1: 4 of 1,602,696 alleles (0.00025%); highest among the groups gnomAD compares: African/African-American, 0.004%; no homozygotes.

Submission:

Labcorp Genetics (formerly Invitae), Labcorp
Classification: Uncertain significance for Perlman syndrome. Last evaluated: 2025-06-30. Review status: criteria provided, single submitter. Criteria: Invitae Variant Classification Sherloc (09022015). Collection method: clinical testing. Allele origin: germline.
Comment: This sequence change replaces alanine, which is neutral and non-polar, with serine, which is neutral and polar, at codon 83 of the DIS3L2 protein (p.Ala83Ser). This variant is not present in population databases (gnomAD no frequency). This variant has not been reported in the literature in individuals affected with DIS3L2-related conditions. ClinVar contains an entry for this variant (Variation ID: 998560). Invitae Evidence Modeling of protein sequence and biophysical properties (such as structural, functional, and spatial information, amino acid conservation, physicochemical variation, residue mobility, and thermodynamic stability) indicates that this missense variant is not expected to disrupt DIS3L2 protein function with a negative predictive value of 80%. In summary, the available evidence is currently insufficient to determine the role of this variant in disease. Therefore, it has been classified as a Variant of Uncertain Significance.

NM_152383.5(DIS3L2):c.247G>T (p.Ala83Ser)

Gene: DIS3L2 (DIS3 like 3'-5' exoribonuclease 2; plus strand). Cytogenetic location: 2q37.1.
Variant type: single nucleotide variant.
Coding change: c.247G>T on transcript NM_152383.5 (MANE Select); coding-DNA position 247, G replaced by T.
Protein change: p.Ala83Ser; replaces alanine 83 with serine.
Molecular consequence: missense variant. On other transcripts: non-coding transcript variant (2).
Genome position (GRCh38, 1-based): chr2:232,024,313, G>T. VCF-style: chr2-232024313-G-T. GRCh37 (hg19) VCF-style: chr2-232889023-G-T.
Other names: c.247G>T, p.Ala83Ser (NM_001257281.2, NM_001257282.2); short protein forms A83S.
Identifiers: ClinVar variation 998560 (VCV000998560.7), dbSNP rs1694599902, ClinGen allele CA351152794.